The following is an entry in ClinVar:

ClinVar aggregate classification (germline): Uncertain significance (1 of 4 stars; one submission).

Conditions:
RASopathy. Also called: rasopathies; Noonan spectrum disorder. Identifiers: Orphanet 536391, MedGen C5555857, MONDO:0021060.

gnomAD v4.1: 2 of 1,551,172 alleles (0.00013%); highest among the groups gnomAD compares: East Asian, 0.0049%; no homozygotes.

Submission:

Labcorp Genetics (formerly Invitae), Labcorp
Classification: Uncertain significance for RASopathy. Last evaluated: 2024-05-21. Review status: criteria provided, single submitter. Criteria: Invitae Variant Classification Sherloc (09022015). Collection method: clinical testing. Allele origin: germline.
Comment: This sequence change falls in intron 8 of the MAP2K2 gene. It does not directly change the encoded amino acid sequence of the MAP2K2 protein. It affects a nucleotide within the consensus splice site. This variant is not present in population databases (gnomAD no frequency). This variant has not been reported in the literature in individuals affected with MAP2K2-related conditions. Variants that disrupt the consensus splice site are a relatively common cause of aberrant splicing (PMID: 17576681, 9536098). Algorithms developed to predict the effect of sequence changes on RNA splicing suggest that this variant is not likely to affect RNA splicing. In summary, the available evidence is currently insufficient to determine the role of this variant in disease. Therefore, it has been classified as a Variant of Uncertain Significance.

Literature cited by the submitters: PubMed 17576681; PubMed 9536098.

NM_030662.4(MAP2K2):c.985-3C>T

Gene: MAP2K2 (mitogen-activated protein kinase kinase 2; minus strand). Cytogenetic location: 19p13.3.
Variant type: single nucleotide variant.
Coding change: c.985-3C>T on transcript NM_030662.4 (MANE Select); 3 bases into the intron before coding-DNA position 985, C replaced by T.
Molecular consequence: intron variant.
Genome position (GRCh38, 1-based): chr19:4,095,452, G>A on the plus strand (C>T on the coding strand, the complement: MAP2K2 is on the minus strand). VCF-style: chr19-4095452-G-A. GRCh37 (hg19) VCF-style: chr19-4095450-G-A.
Identifiers: ClinVar variation 3623354 (VCV003623354.2).
Genomic context (GRCh38, chr19:4,095,452, plus strand): 5'-TATTGACAAACTCCTGGAAGTCGGGGGTGAACACACCGTTGGGCAGCTTAGGAGGTGGCT[G>A]TGGAGGAGAACAGAGGGTGGGGTCAGCCCTGGGCATCGTCAGGGACCCTCGGCTGCAGCC-3'